The following is an entry in ClinVar:

NM_016333.4(SRRM2):c.7132G>A (p.Ala2378Thr)

Gene: SRRM2 (serine/arginine repetitive matrix 2; plus strand). Cytogenetic location: 16p13.3.
Variant type: single nucleotide variant.
Coding change: c.7132G>A on transcript NM_016333.4 (MANE Select); coding-DNA position 7132, G replaced by A.
Protein change: p.Ala2378Thr; replaces alanine 2378 with threonine.
Molecular consequence: missense variant.
Genome position (GRCh38, 1-based): chr16:2,767,660, G>A. VCF-style: chr16-2767660-G-A. GRCh37 (hg19) VCF-style: chr16-2817661-G-A.
Other names: short protein forms A2378T.
Identifiers: ClinVar variation 3033150 (VCV003033150.2), dbSNP rs2505615016, ClinGen allele CA394428676.

ClinVar aggregate classification (germline): Uncertain significance (0 of 4 stars; one submission).

Conditions:
SRRM2-related disorder. Also called: SRRM2-related condition.

Submission:

PreventionGenetics, part of Exact Sciences
Classification: Uncertain significance for SRRM2-related condition. Last evaluated: 2024-01-17. Review status: no assertion criteria provided. Collection method: clinical testing. Allele origin: germline.
Comment: The SRRM2 c.7132G>A variant is predicted to result in the amino acid substitution p.Ala2378Thr. To our knowledge, this variant has not been reported in the literature or in a large population database, indicating this variant is rare. At this time, the clinical significance of this variant is uncertain due to the absence of conclusive functional and genetic evidence.